The following is an entry in ClinVar:

ClinVar aggregate classification (germline): Uncertain significance (1 of 4 stars; one submission).

Conditions:
Kabuki syndrome 2 (KABUK2). Also called: KDM6A-Related Kabuki Syndrome. Identifiers: Orphanet 2322, MedGen C3275495, MONDO:0010465, OMIM 300867.

Submission:

Labcorp Genetics (formerly Invitae), Labcorp
Classification: Uncertain significance for Kabuki syndrome 2. Last evaluated: 2024-12-12. Review status: criteria provided, single submitter. Criteria: Invitae Variant Classification Sherloc (09022015). Collection method: clinical testing. Allele origin: germline.
Comment: This sequence change replaces proline, which is neutral and non-polar, with leucine, which is neutral and non-polar, at codon 471 of the KDM6A protein (p.Pro471Leu). This variant is not present in population databases (gnomAD no frequency). This variant has not been reported in the literature in individuals affected with KDM6A-related conditions. Invitae Evidence Modeling of protein sequence and biophysical properties (such as structural, functional, and spatial information, amino acid conservation, physicochemical variation, residue mobility, and thermodynamic stability) indicates that this missense variant is not expected to disrupt KDM6A protein function with a negative predictive value of 80%. In summary, the available evidence is currently insufficient to determine the role of this variant in disease. Therefore, it has been classified as a Variant of Uncertain Significance.

NM_001291415.2(KDM6A):c.1568C>T (p.Pro523Leu)

Gene: KDM6A (lysine demethylase 6A; plus strand). Cytogenetic location: Xp11.3.
Variant type: single nucleotide variant.
Coding change: c.1568C>T on transcript NM_001291415.2 (MANE Select); coding-DNA position 1568, C replaced by T.
Protein change: p.Pro523Leu; replaces proline 523 with leucine.
Molecular consequence: missense variant. On other transcripts: non-coding transcript variant (1).
Genome position (GRCh38, 1-based): chrX:45,061,406, C>T. VCF-style: chrX-45061406-C-T. GRCh37 (hg19) VCF-style: chrX-44920651-C-T.
Other names: c.1277C>T, p.Pro426Leu (NM_001291418.2, NM_001419815.1, NM_001291417.2); c.524C>T, p.Pro175Leu (NM_001291421.2); c.1412C>T, p.Pro471Leu (NM_001410742.1, NM_001419812.1, NM_001419814.1 and 1 more transcripts); c.1568C>T, p.Pro523Leu (NM_001419809.1, NM_001419810.1, NM_001419813.1); c.1433C>T, p.Pro478Leu (NM_001419811.1, NM_001291416.2); short protein forms P426L, P175L, P471L, P523L, P478L.
Identifiers: ClinVar variation 3720055 (VCV003720055.2).